The following is an entry in ClinVar:

NM_014946.4(SPAST):c.1508G>A (p.Arg503Gln)

Gene: SPAST (spastin; plus strand). Cytogenetic location: 2p22.3.
Variant type: single nucleotide variant.
Coding change: c.1508G>A on transcript NM_014946.4 (MANE Select); coding-DNA position 1508, G replaced by A.
Protein change: p.Arg503Gln; replaces arginine 503 with glutamine.
Molecular consequence: missense variant.
Genome position (GRCh38, 1-based): chr2:32,141,918, G>A. VCF-style: chr2-32141918-G-A. GRCh37 (hg19) VCF-style: chr2-32366987-G-A.
Other names: c.1505G>A, p.Arg502Gln (NM_001363823.2); c.1409G>A, p.Arg470Gln (NM_001363875.2); c.1412G>A, p.Arg471Gln (NM_001377959.1, NM_199436.2); short protein forms R470Q, R502Q, R503Q, R471Q.
Identifiers: ClinVar variation 1992311 (VCV001992311.2), dbSNP rs1553319087, ClinGen allele CA346502866.

ClinVar aggregate classification (germline): Conflicting classifications of pathogenicity. Review status: criteria provided, conflicting classifications (1 of 4 stars). 2 submissions from 2 submitters: Likely pathogenic (1); Uncertain significance (1). Last evaluated 2025-08-11.

Conditions:
Hereditary spastic paraplegia 4. Also called: Spastic paraplegia 4, autosomal dominant; Spastic Paraplegia 4; Familial spastic paraplegia autosomal dominant 2. Identifiers: Orphanet 100985, MedGen C1866855, MONDO:0008438, OMIM 182601.

Allele frequency attached by ClinVar (database versions not stated): gnomAD exomes below 0.00001.
gnomAD v4.1: 1 of 1,611,940 alleles (0.000062%); highest among the groups gnomAD compares: Non-Finnish European, 0.000085%; no homozygotes.

Submissions (2):

Labcorp Genetics (formerly Invitae), Labcorp
Classification: Uncertain significance for Hereditary spastic paraplegia 4. Last evaluated: 2025-08-11. Review status: criteria provided, single submitter. Criteria: Invitae Variant Classification Sherloc (09022015). Collection method: clinical testing. Allele origin: germline.
Comment: This sequence change replaces arginine, which is basic and polar, with glutamine, which is neutral and polar, at codon 503 of the SPAST protein (p.Arg503Gln). This variant is not present in population databases (gnomAD no frequency). This missense change has been observed in individual(s) with clinical features of hereditary spastic paraplegia (internal data). ClinVar contains an entry for this variant (Variation ID: 1992311). Invitae Evidence Modeling of protein sequence and biophysical properties (such as structural, functional, and spatial information, amino acid conservation, physicochemical variation, residue mobility, and thermodynamic stability) indicates that this missense variant is expected to disrupt SPAST protein function with a positive predictive value of 80%. Algorithms developed to predict the effect of sequence changes on RNA splicing suggest that this variant may disrupt the consensus splice site. This variant disrupts the p.Arg503 amino acid residue in SPAST. Other variant(s) that disrupt this residue have been determined to be pathogenic (PMID: 16055926, 17594340, 18701882, 20932283). This suggests that this residue is clinically significant, and that variants that disrupt this residue are likely to be disease-causing. In summary, the available evidence is currently insufficient to determine the role of this variant in disease. Therefore, it has been classified as a Variant of Uncertain Significance.

MVZ Martinsried, Medicover Genetics
Classification: Likely pathogenic for Hereditary spastic paraplegia 4. Last evaluated: 2022-10-27. Review status: criteria provided, single submitter. Criteria: ACGS Guidelines, 2020. Collection method: clinical testing. Allele origin: unknown. Affected: yes.

Literature cited by the submitters: PubMed 16055926 (cited by Labcorp Genetics (formerly Invitae), Labcorp); PubMed 17594340 (cited by Labcorp Genetics (formerly Invitae), Labcorp); PubMed 18701882 (cited by Labcorp Genetics (formerly Invitae), Labcorp); PubMed 20932283 (cited by Labcorp Genetics (formerly Invitae), Labcorp).